The following is an entry in ClinVar:

NM_014989.7(RIMS1):c.4782A>T (p.Arg1594Ser)

Gene: RIMS1 (regulating synaptic membrane exocytosis 1; plus strand). Cytogenetic location: 6q13.
Variant type: single nucleotide variant.
Coding change: c.4782A>T on transcript NM_014989.7 (MANE Select); coding-DNA position 4782, A replaced by T.
Protein change: p.Arg1594Ser; replaces arginine 1594 with serine.
Molecular consequence: missense variant.
Genome position (GRCh38, 1-based): chr6:72,399,016, A>T. VCF-style: chr6-72399016-A-T. GRCh37 (hg19) VCF-style: chr6-73108718-A-T.
Other names: c.2742A>T, p.Arg914Ser (NM_001168407.2); c.2157A>T, p.Arg719Ser (NM_001168408.2, NM_001350430.2); c.1986A>T, p.Arg662Ser (NM_001168409.2); c.2184A>T, p.Arg728Ser (NM_001168410.2); c.363A>T, p.Arg121Ser (NM_001168411.2); c.2703A>T, p.Arg901Ser (NM_001350414.2); c.2799A>T, p.Arg933Ser (NM_001350415.2); c.2748A>T, p.Arg916Ser (NM_001350416.2); and 54 more; short protein forms R1594S, R662S, R688S, R743S, R810S, R825S, R839S, R863S.
Identifiers: ClinVar variation 1512732 (VCV001512732.6), dbSNP rs763952135, ClinGen allele CA3886607.

ClinVar aggregate classification (germline): Uncertain significance (1 of 4 stars; one submission).

Allele frequency attached by ClinVar (database versions not stated): gnomAD exomes below 0.00001 and 0.00001; ExAC 0.00001; TOPMed 0.00002.
gnomAD v4.1: 7 of 1,610,768 alleles (0.00043%); highest among the groups gnomAD compares: African/African-American, 0.0094%; no homozygotes.

Submission:

Labcorp Genetics (formerly Invitae), Labcorp
Classification: Uncertain significance. Last evaluated: 2024-01-25. Review status: criteria provided, single submitter. Criteria: Invitae Variant Classification Sherloc (09022015). Collection method: clinical testing. Allele origin: germline.
Comment: This sequence change replaces arginine, which is basic and polar, with serine, which is neutral and polar, at codon 1594 of the RIMS1 protein (p.Arg1594Ser). This variant is present in population databases (rs763952135, gnomAD 0.007%). This variant has not been reported in the literature in individuals affected with RIMS1-related conditions. ClinVar contains an entry for this variant (Variation ID: 1512732). An algorithm developed to predict the effect of missense changes on protein structure and function (PolyPhen-2) suggests that this variant is likely to be disruptive. In summary, the available evidence is currently insufficient to determine the role of this variant in disease. Therefore, it has been classified as a Variant of Uncertain Significance.